The following is an entry in ClinVar:

NM_001854.4(COL11A1):c.5412T>A (p.Phe1804Leu)

Gene: COL11A1 (collagen type XI alpha 1 chain; minus strand). Cytogenetic location: 1p21.1.
Variant type: single nucleotide variant.
Coding change: c.5412T>A on transcript NM_001854.4 (MANE Select); coding-DNA position 5412, T replaced by A.
Protein change: p.Phe1804Leu; replaces phenylalanine 1804 with leucine.
Molecular consequence: missense variant. On other transcripts: non-coding transcript variant (1).
Genome position (GRCh38, 1-based): chr1:102,878,028, A>T on the plus strand (T>A on the coding strand, the complement: COL11A1 is on the minus strand). VCF-style: chr1-102878028-A-T. GRCh37 (hg19) VCF-style: chr1-103343584-A-T.
Other names: c.5064T>A, p.Phe1688Leu (NM_001168249.1, NM_080630.4); c.5295T>A, p.Phe1765Leu (NM_001190709.2); c.5448T>A, p.Phe1816Leu (NM_080629.3); short protein forms F1688L, F1765L, F1804L, F1816L.
Identifiers: ClinVar variation 2444611 (VCV002444611.2), dbSNP rs747838552, ClinGen allele CA973245.

ClinVar aggregate classification (germline): Uncertain significance. Review status: criteria provided, multiple submitters, no conflicts (2 of 4 stars). 2 submissions from 2 submitters: Uncertain significance (2). Last evaluated 2023-03-16.

Allele frequency attached by ClinVar (database versions not stated): gnomAD exomes below 0.00001; ExAC 0.00001; TOPMed 0.00002.
gnomAD v4.1: 2 of 1,613,538 alleles (0.00012%); highest among the groups gnomAD compares: Admixed American, 0.0033%; no homozygotes.

Submissions (2):

GeneDx
Classification: Uncertain significance. Last evaluated: 2023-03-16. Review status: criteria provided, single submitter. Criteria: GeneDx Variant Classification Process June 2021. Collection method: clinical testing. Allele origin: germline. Affected: yes.
Comment: Has not been previously published as pathogenic or benign to our knowledge; Not observed at significant frequency in large population cohorts (gnomAD); In silico analysis supports that this missense variant has a deleterious effect on protein structure/function; Not located in the triple helical region, where the majority of pathogenic missense variants occur (HGMD)

Blueprint Genetics
Classification: Uncertain significance. Last evaluated: 2017-12-26. Review status: criteria provided, single submitter. Criteria: ACMG Guidelines, 2015. Collection method: clinical testing. Allele origin: germline.